The following is an entry in ClinVar:

NM_015378.4(VPS13D):c.3409T>G (p.Leu1137Val)

Gene: VPS13D (vacuolar protein sorting 13 homolog D; plus strand). Cytogenetic location: 1p36.22.
Variant type: single nucleotide variant.
Coding change: c.3409T>G on transcript NM_015378.4 (MANE Select); coding-DNA position 3409, T replaced by G.
Protein change: p.Leu1137Val; replaces leucine 1137 with valine.
Molecular consequence: missense variant.
Genome position (GRCh38, 1-based): chr1:12,276,997, T>G. VCF-style: chr1-12276997-T-G. GRCh37 (hg19) VCF-style: chr1-12337054-T-G.
Other names: c.3409T>G, p.Leu1137Val (NM_018156.4); short protein forms L1137V.
Identifiers: ClinVar variation 2046202 (VCV002046202.4), dbSNP rs1641634322, ClinGen allele CA338474927.

ClinVar aggregate classification (germline): Uncertain significance (1 of 4 stars; one submission).

Allele frequency attached by ClinVar (database versions not stated): gnomAD exomes below 0.00001; TOPMed below 0.00001.

Submission:

Labcorp Genetics (formerly Invitae), Labcorp
Classification: Uncertain significance. Last evaluated: 2022-11-08. Review status: criteria provided, single submitter. Criteria: Invitae Variant Classification Sherloc (09022015). Collection method: clinical testing. Allele origin: germline.
Comment: In summary, the available evidence is currently insufficient to determine the role of this variant in disease. Therefore, it has been classified as a Variant of Uncertain Significance. Advanced modeling of protein sequence and biophysical properties (such as structural, functional, and spatial information, amino acid conservation, physicochemical variation, residue mobility, and thermodynamic stability) performed at Invitae indicates that this missense variant is not expected to disrupt VPS13D protein function. This variant has not been reported in the literature in individuals affected with VPS13D-related conditions. This variant is not present in population databases (gnomAD no frequency). This sequence change replaces leucine, which is neutral and non-polar, with valine, which is neutral and non-polar, at codon 1137 of the VPS13D protein (p.Leu1137Val).